The following is an entry in ClinVar:

NM_001378120.1(MBD5):c.2278C>T (p.His760Tyr)

Gene: MBD5 (methyl-CpG binding domain protein 5; plus strand). Cytogenetic location: 2q23.1.
Variant type: single nucleotide variant.
Coding change: c.2278C>T on transcript NM_001378120.1 (MANE Select); coding-DNA position 2278, C replaced by T.
Protein change: p.His760Tyr; replaces histidine 760 with tyrosine.
Molecular consequence: missense variant.
Genome position (GRCh38, 1-based): chr2:148,470,221, C>T. VCF-style: chr2-148470221-C-T. GRCh37 (hg19) VCF-style: chr2-149227790-C-T.
Other names: c.2278C>T, p.His760Tyr (NM_018328.5); short protein forms H760Y.
Identifiers: ClinVar variation 406451 (VCV000406451.9), dbSNP rs1060501150, ClinGen allele CA16610141.
Genomic context (GRCh38, chr2:148,470,221, plus strand): 5'-ACAGATCCCAGTATGAACTCTAGTGTTCTTCAGAACATACCTTTAAGAGGGGAAGCCGTG[C>T]ACTGCCACAATGCAAACACTAACTTTGTTCACAGTAACAGTCCAGTCCCCAACCACCATC-3'
Protein context (NP_001365049.1, residues 750-770): QNIPLRGEAV[His760Tyr]CHNANTNFVH

ClinVar aggregate classification (germline): Uncertain significance (1 of 4 stars; one submission).

Conditions:
Intellectual developmental disorder, autosomal dominant 1. Also called: MBD5 Haploinsufficiency; Intellectual disability, autosomal dominant 1. Identifiers: Orphanet 228402, MedGen C1969562, MONDO:0007974, OMIM 156200.

Submission:

Labcorp Genetics (formerly Invitae), Labcorp
Classification: Uncertain significance for Intellectual developmental disorder, autosomal dominant 1. Last evaluated: 2016-12-12. Review status: criteria provided, single submitter. Criteria: Invitae Variant Classification Sherloc (09022015). Collection method: clinical testing. Allele origin: germline.
Comment: In summary, this variant is a novel missense change with uncertain impact on protein function. It has been classified as a Variant of Uncertain Significance. Algorithms developed to predict the effect of missense changes on protein structure and function do not agree on the potential impact of this missense change (SIFT: "Deleterious"; PolyPhen-2: "Benign"; Align-GVGD: "Class C65"). This sequence change replaces histidine with tyrosine at codon 760 of the MBD5 protein (p.His760Tyr). The histidine residue is highly conserved and there is a moderate physicochemical difference between histidine and tyrosine. This variant is not present in population databases (ExAC no frequency) and has not been reported in the literature in individuals with a MBD5-related disease.